The following is an entry in ClinVar:

ClinVar aggregate classification (germline): Uncertain significance (1 of 4 stars; one submission).

Conditions:
Hereditary spastic paraplegia 75. Also called: Spastic paraplegia 75, autosomal recessive. Identifiers: Orphanet 459056, MedGen C4225250, MONDO:0014729, OMIM 616680.

Allele frequency attached by ClinVar (database versions not stated): TOPMed below 0.00001; gnomAD 0.00001.

Submission:

Labcorp Genetics (formerly Invitae), Labcorp
Classification: Uncertain significance for Hereditary spastic paraplegia 75. Last evaluated: 2024-10-24. Review status: criteria provided, single submitter. Criteria: Invitae Variant Classification Sherloc (09022015). Collection method: clinical testing. Allele origin: germline.
Comment: This sequence change replaces glycine, which is neutral and non-polar, with serine, which is neutral and polar, at codon 194 of the MAG protein (p.Gly194Ser). This variant is not present in population databases (gnomAD no frequency). This variant has not been reported in the literature in individuals affected with MAG-related conditions. ClinVar contains an entry for this variant (Variation ID: 2103199). Invitae Evidence Modeling of protein sequence and biophysical properties (such as structural, functional, and spatial information, amino acid conservation, physicochemical variation, residue mobility, and thermodynamic stability) indicates that this missense variant is not expected to disrupt MAG protein function with a negative predictive value of 80%. In summary, the available evidence is currently insufficient to determine the role of this variant in disease. Therefore, it has been classified as a Variant of Uncertain Significance.

NM_002361.4(MAG):c.580G>A (p.Gly194Ser)

Gene: MAG (myelin associated glycoprotein; plus strand). Cytogenetic location: 19q13.12.
Variant type: single nucleotide variant.
Coding change: c.580G>A on transcript NM_002361.4 (MANE Select); coding-DNA position 580, G replaced by A.
Protein change: p.Gly194Ser; replaces glycine 194 with serine.
Molecular consequence: missense variant.
Genome position (GRCh38, 1-based): chr19:35,299,718, G>A. VCF-style: chr19-35299718-G-A. GRCh37 (hg19) VCF-style: chr19-35790621-G-A.
Other names: c.505G>A, p.Gly169Ser (NM_001199216.2); c.580G>A, p.Gly194Ser (NM_080600.3); short protein forms G169S, G194S.
Identifiers: ClinVar variation 2103199 (VCV002103199.4), dbSNP rs753804055, ClinGen allele CA9376053.